The following is an entry in ClinVar:

NM_003482.4(KMT2D):c.12916C>T (p.His4306Tyr)

Gene: KMT2D (lysine methyltransferase 2D; minus strand). Cytogenetic location: 12q13.12.
Variant type: single nucleotide variant.
Coding change: c.12916C>T on transcript NM_003482.4 (MANE Select); coding-DNA position 12916, C replaced by T.
Protein change: p.His4306Tyr; replaces histidine 4306 with tyrosine.
Molecular consequence: missense variant.
Genome position (GRCh38, 1-based): chr12:49,031,789, G>A on the plus strand (C>T on the coding strand, the complement: KMT2D is on the minus strand). VCF-style: chr12-49031789-G-A. GRCh37 (hg19) VCF-style: chr12-49425572-G-A.
Other names: short protein forms H4306Y.
Identifiers: ClinVar variation 3635108 (VCV003635108.3).

ClinVar aggregate classification (germline): Uncertain significance. Review status: criteria provided, multiple submitters, no conflicts (2 of 4 stars). 2 submissions from 2 submitters: Uncertain significance (2). Last evaluated 2025-02-06.

Conditions:
Kabuki syndrome. Also called: NIIKAWA-KUROKI SYNDROME; Kabuki make-up syndrome. Identifiers: Orphanet 2322, MedGen C0796004, MONDO:0016512.

Submissions (2):

GeneDx
Classification: Uncertain significance. Last evaluated: 2025-02-06. Review status: criteria provided, single submitter. Criteria: GeneDx Variant Classification Process June 2021. Collection method: clinical testing. Allele origin: germline. Affected: yes.
Comment: Not observed at significant frequency in large population cohorts (gnomAD); In silico analysis indicates that this missense variant does not alter protein structure/function; Has not been previously published as pathogenic or benign to our knowledge

Labcorp Genetics (formerly Invitae), Labcorp
Classification: Uncertain significance for Kabuki syndrome. Last evaluated: 2024-09-04. Review status: criteria provided, single submitter. Criteria: Invitae Variant Classification Sherloc (09022015). Collection method: clinical testing. Allele origin: germline.
Comment: This sequence change replaces histidine, which is basic and polar, with tyrosine, which is neutral and polar, at codon 4306 of the KMT2D protein (p.His4306Tyr). This variant is not present in population databases (gnomAD no frequency). This variant has not been reported in the literature in individuals affected with KMT2D-related conditions. Invitae Evidence Modeling of protein sequence and biophysical properties (such as structural, functional, and spatial information, amino acid conservation, physicochemical variation, residue mobility, and thermodynamic stability) indicates that this missense variant is not expected to disrupt KMT2D protein function with a negative predictive value of 95%. In summary, the available evidence is currently insufficient to determine the role of this variant in disease. Therefore, it has been classified as a Variant of Uncertain Significance.